The following is an entry in ClinVar:

NM_000035.4(ALDOB):c.1095G>C (p.Ter365Tyr)

Gene: ALDOB (aldolase, fructose-bisphosphate B; minus strand). Cytogenetic location: 9q31.1.
Variant type: single nucleotide variant.
Coding change: c.1095G>C on transcript NM_000035.4 (MANE Select); coding-DNA position 1095, G replaced by C.
Protein change: p.Ter365Tyr.
Molecular consequence: stop lost.
Genome position (GRCh38, 1-based): chr9:101,421,809, C>G on the plus strand (G>C on the coding strand, the complement: ALDOB is on the minus strand). VCF-style: chr9-101421809-C-G. GRCh37 (hg19) VCF-style: chr9-104184091-C-G.
Other names: *365Y; c.1095G>C, p.Ter365Tyr (LRG_1244t1).
Identifiers: ClinVar variation 550776 (VCV000550776.6), dbSNP rs900220679, ClinGen allele CA196955796.

ClinVar aggregate classification (germline): Conflicting classifications of pathogenicity. Review status: criteria provided, conflicting classifications (1 of 4 stars). 3 submissions from 3 submitters: Likely pathogenic (1); Uncertain significance (1). 1 of the submissions does not count toward it. Last evaluated 2025-02-03.

Conditions:
ALDOB-related disorder. Also called: ALDOB-related condition.
Hereditary fructosuria. Also called: Hereditary fructose intolerance; Fructose intolerance; ALDOB DEFICIENCY; ALDOLASE B DEFICIENCY; FRUCTOSE-1,6-BISPHOSPHATE ALDOLASE B DEFICIENCY; FRUCTOSE-1-PHOSPHATE ALDOLASE DEFICIENCY. Identifiers: Orphanet 469, MedGen C0016751, MONDO:0009249, OMIM 229600, HP:0005973. Disease mechanism: loss of function.

Allele frequency attached by ClinVar (database versions not stated): gnomAD 0.00001; gnomAD exomes 0.00002 and 0.00005; TOPMed 0.00002.
gnomAD v4.1: 70 of 1,613,690 alleles (0.0043%); highest among the groups gnomAD compares: Non-Finnish European, 0.0058%; 1 homozygote.

Submissions (3):

Natera, Inc.
Classification: Likely pathogenic for Fructose intolerance. Last evaluated: 2025-02-03. Review status: criteria provided, single submitter. Criteria: Natera Variant Classification Schema (03/2026). Collection method: clinical testing. Allele origin: germline.
Comment: The c.1095G>C variant in ALDOB is a stop-loss variant predicted to disrupt the normal termination codon and extend translation beyond the canonical stop site. This variant is rare in the general population with a frequency below the threshold expected for the associated phenotype(s). Given the available evidence, this variant is classified as Likely Pathogenic.

PreventionGenetics, part of Exact Sciences
Classification: Uncertain significance for ALDOB-related condition. Last evaluated: 2023-03-01. Review status: criteria provided, single submitter. Criteria: ACMG Guidelines, 2015. Collection method: clinical testing. Allele origin: germline.
Comment: The ALDOB c.1095G>C variant is predicted to result in extension of the open reading frame (p.*365Tyrext*42). To our knowledge, this variant has not been reported in the literature. This variant is reported in 0.0062% of alleles in individuals of African descent in gnomAD. This variant disrupts the stop codon and substantially extends the protein product. Although we suspect that this variant may be pathogenic, at this time, the clinical significance of this variant is uncertain due to the absence of conclusive functional and genetic evidence.

Counsyl
Classification: Likely pathogenic for Hereditary fructosuria. Last evaluated: 2017-02-16. Review status: no assertion criteria provided. Collection method: clinical testing. Allele origin: unknown. Not counted in ClinVar's aggregate classification.